The following is an entry in ClinVar:

NM_139057.4(ADAMTS17):c.3285G>A (p.Ser1095=)

Gene: ADAMTS17 (ADAM metallopeptidase with thrombospondin type 1 motif 17; minus strand). Cytogenetic location: 15q26.3.
Variant type: single nucleotide variant.
Coding change: c.3285G>A on transcript NM_139057.4 (MANE Select); coding-DNA position 3285, G replaced by A.
Protein change: p.Ser1095=; no amino-acid change (serine 1095 retained).
Molecular consequence: synonymous variant.
Genome position (GRCh38, 1-based): chr15:99,974,405, C>T on the plus strand (G>A on the coding strand, the complement: ADAMTS17 is on the minus strand). VCF-style: chr15-99974405-C-T. GRCh37 (hg19) VCF-style: chr15-100514610-C-T.
Identifiers: ClinVar variation 315247 (VCV000315247.39), dbSNP rs144817994, ClinGen allele CA7757396.
Genomic context (GRCh38, chr15:99,974,405, plus strand): 5'-CGGGTGGGTGGGTTTCAGACCTGAGTCTGAGCTTTGAGCGACCCTTGGGACTGCGTGTCA[C>T]GAGTTCGGCGGTGGCTGGCGCATCTTGTTTGCATAGAAGTCCCTGCAGGTCTGGCAGCAG-3'
Protein context (NP_620688.2, residues 1085-1095): ANKMRQPPPN[Ser1095=]

ClinVar aggregate classification (germline): Conflicting classifications of pathogenicity. Review status: criteria provided, conflicting classifications (1 of 4 stars). 4 submissions from 4 submitters: Uncertain significance (1); Benign (1); Likely benign (2). Last evaluated 2026-02-01.

Conditions:
Weill-Marchesani 4 syndrome, recessive. Also called: Weill-Marchesani syndrome 4. Identifiers: Orphanet 363992, MedGen C2750787, MONDO:0013176, OMIM 613195.

Allele frequency attached by ClinVar (database versions not stated): 1000 Genomes Project 0.00120; ESP Exome Variant Server 0.00123; ExAC 0.00145; 1000 Genomes Project 30x 0.00172; TOPMed 0.00192.
gnomAD v4.1: 3,364 of 1,614,156 alleles (0.21%); highest among the groups gnomAD compares: Admixed American, 0.28%; 8 homozygotes.

Submissions (4):

Labcorp Genetics (formerly Invitae), Labcorp
Classification: Benign. Last evaluated: 2026-02-01. Review status: criteria provided, single submitter. Criteria: Invitae Variant Classification Sherloc (09022015). Collection method: clinical testing. Allele origin: germline.

CeGaT Center for Human Genetics Tuebingen
Classification: Likely benign. Last evaluated: 2026-01-01. Review status: criteria provided, single submitter. Criteria: CeGaT Center For Human Genetics Tuebingen Variant Classification Criteria Version 2. Collection method: clinical testing. Allele origin: germline. Affected: yes. Observed: 3 variant alleles.
Comment: ADAMTS17: BP4, BP7

Blueprint Genetics
Classification: Likely benign. Last evaluated: 2024-11-21. Review status: criteria provided, single submitter. Criteria: ACMG Guidelines, 2015. Collection method: clinical testing. Allele origin: germline.

Illumina Laboratory Services, Illumina
Classification: Uncertain significance for Weill-Marchesani 4 syndrome, recessive. Last evaluated: 2018-01-13. Review status: criteria provided, single submitter. Criteria: ICSL Variant Classification Criteria 13 December 2019. Collection method: clinical testing. Allele origin: germline.